The following is an entry in ClinVar:

ClinVar aggregate classification (germline): Uncertain significance. Review status: criteria provided, single submitter (1 of 4 stars). 2 submissions from 2 submitters: Uncertain significance (1). 1 of the submissions does not count toward it. Last evaluated 2017-06-29.

Conditions:
EHHADH-related disorder. Also called: EHHADH-related condition.

Allele frequency attached by ClinVar (database versions not stated): TOPMed 0.00008; ESP Exome Variant Server 0.00008; gnomAD 0.00004; ExAC 0.00007; gnomAD exomes 0.00010.
gnomAD v4.1: 90 of 1,613,968 alleles (0.0056%); highest among the groups gnomAD compares: Admixed American, 0.005%; no homozygotes.

Submissions (2):

Eurofins Ntd Llc (ga)
Classification: Uncertain significance. Last evaluated: 2017-06-29. Review status: criteria provided, single submitter. Criteria: EGL Classification Definitions 2015. Collection method: clinical testing. Allele origin: germline. Observed: 1 variant allele, 1 heterozygote.

PreventionGenetics, part of Exact Sciences
Classification: Likely benign for EHHADH-related condition. Last evaluated: 2022-02-11. Review status: no assertion criteria provided. Collection method: clinical testing. Allele origin: germline. Not counted in ClinVar's aggregate classification.
Comment: This variant is classified as likely benign based on ACMG/AMP sequence variant interpretation guidelines (Richards et al. 2015 PMID: 25741868, with internal and published modifications).

NM_001966.4(EHHADH):c.144T>C (p.Ile48=)

Gene: EHHADH (enoyl-CoA hydratase and 3-hydroxyacyl CoA dehydrogenase; minus strand). Cytogenetic location: 3q27.2.
Variant type: single nucleotide variant.
Coding change: c.144T>C on transcript NM_001966.4 (MANE Select); coding-DNA position 144, T replaced by C.
Protein change: p.Ile48=; no amino-acid change (isoleucine 48 retained).
Molecular consequence: synonymous variant. On other transcripts: 5 prime UTR variant (1).
Genome position (GRCh38, 1-based): chr3:185,248,448, A>G on the plus strand (T>C on the coding strand, the complement: EHHADH is on the minus strand). VCF-style: chr3-185248448-A-G. GRCh37 (hg19) VCF-style: chr3-184966236-A-G.
Other names: c.-145T>C (NM_001166415.2); c.144T>C (NM_001966.3).
Identifiers: ClinVar variation 502780 (VCV000502780.7), dbSNP rs370127523, ClinGen allele CA2739314.